The following is an entry in ClinVar:

NM_002691.4(POLD1):c.2449C>G (p.Arg817Gly)

Gene: POLD1 (DNA polymerase delta 1, catalytic subunit; plus strand). Cytogenetic location: 19q13.33.
Variant type: single nucleotide variant.
Coding change: c.2449C>G on transcript NM_002691.4 (MANE Select); coding-DNA position 2449, C replaced by G.
Protein change: p.Arg817Gly; replaces arginine 817 with glycine.
Molecular consequence: missense variant. On other transcripts: non-coding transcript variant (1).
Genome position (GRCh38, 1-based): chr19:50,414,875, C>G. VCF-style: chr19-50414875-C-G. GRCh37 (hg19) VCF-style: chr19-50918132-C-G.
Other names: c.2449C>G, p.Arg817Gly (NM_001256849.1); c.2527C>G, p.Arg843Gly (NM_001308632.1); short protein forms R843G, R817G.
Identifiers: ClinVar variation 408091 (VCV000408091.58), dbSNP rs148176230, ClinGen allele CA16616391.

ClinVar aggregate classification (germline): Uncertain significance. Review status: criteria provided, multiple submitters, no conflicts (2 of 4 stars). 3 submissions from 3 submitters: Uncertain significance (3). Last evaluated 2026-01-28.

Conditions:
POLD1-related polyposis and colorectal cancer syndrome (CRCS10). Also called: Colorectal cancer, susceptibility to, 10; Colorectal cancer 10; COLORECTAL CANCER, SUSCEPTIBILITY TO, ON CHROMOSOME 19q. Identifiers: Orphanet 220460, MedGen C2675481, MONDO:0012953, OMIM 612591.
Hereditary cancer-predisposing syndrome. Also called: Neoplastic Syndromes, Hereditary; Hereditary neoplastic syndrome; Hereditary Cancer Syndrome; Tumor predisposition. Identifiers: Orphanet 140162, MedGen C0027672, MeSH D009386, MONDO:0015356.

gnomAD v4.1: 2 of 1,607,266 alleles (0.00012%); highest among the groups gnomAD compares: East Asian, 0.0022%; no homozygotes.

Submissions (3):

Labcorp Genetics (formerly Invitae), Labcorp
Classification: Uncertain significance for POLD1-related polyposis and colorectal cancer syndrome. Last evaluated: 2026-01-28. Review status: criteria provided, single submitter. Criteria: Invitae Variant Classification Sherloc (09022015). Collection method: clinical testing. Allele origin: germline.
Comment: This sequence change replaces arginine, which is basic and polar, with glycine, which is neutral and non-polar, at codon 817 of the POLD1 protein (p.Arg817Gly). This variant is not present in population databases (gnomAD no frequency). This variant has not been reported in the literature in individuals affected with POLD1-related conditions. ClinVar contains an entry for this variant (Variation ID: 408091). Invitae Evidence Modeling of protein sequence and biophysical properties (such as structural, functional, and spatial information, amino acid conservation, physicochemical variation, residue mobility, and thermodynamic stability) indicates that this missense variant is not expected to disrupt POLD1 protein function with a negative predictive value of 80%. In summary, the available evidence is currently insufficient to determine the role of this variant in disease. Therefore, it has been classified as a Variant of Uncertain Significance.

Ambry Genetics
Classification: Uncertain significance for Hereditary cancer-predisposing syndrome. Last evaluated: 2022-03-20. Review status: criteria provided, single submitter. Criteria: Ambry Variant Classification Scheme 2023. Collection method: clinical testing. Allele origin: germline.
Comment: The p.R817G variant (also known as c.2449C>G), located in coding exon 19 of the POLD1 gene, results from a C to G substitution at nucleotide position 2449. The arginine at codon 817 is replaced by glycine, an amino acid with dissimilar properties. This amino acid position is conserved. In addition, this alteration is predicted to be tolerated by in silico analysis. Since supporting evidence is limited at this time, the clinical significance of this alteration remains unclear.

Mendelics
Classification: Uncertain significance for POLD1-related polyposis and colorectal cancer syndrome. Last evaluated: 2019-05-28. Review status: criteria provided, single submitter. Criteria: Mendelics Assertion Criteria 2017. Collection method: clinical testing. Allele origin: unknown.